The following is an entry in ClinVar:

NM_000535.7(PMS2):c.1260G>T (p.Leu420=)

Gene: PMS2 (PMS1 homolog 2, mismatch repair system component; minus strand). Cytogenetic location: 7p22.1.
Variant type: single nucleotide variant.
Coding change: c.1260G>T on transcript NM_000535.7 (MANE Select); coding-DNA position 1260, G replaced by T.
Protein change: p.Leu420=; no amino-acid change (leucine 420 retained).
Molecular consequence: synonymous variant. On other transcripts: non-coding transcript variant (1), intron variant (1).
Genome position (GRCh38, 1-based): chr7:5,987,505, C>A on the plus strand (G>T on the coding strand, the complement: PMS2 is on the minus strand). VCF-style: chr7-5987505-C-A. GRCh37 (hg19) VCF-style: chr7-6027136-C-A.
Other names: c.855G>T, p.Leu285= (NM_001322003.2, NM_001322004.2, NM_001322005.2 and 16 more transcripts); c.1104G>T, p.Leu368= (NM_001322006.2, NM_001406870.1); c.942G>T, p.Leu314= (NM_001322007.2, NM_001322008.2, NM_001406876.1 and 2 more transcripts); c.699G>T, p.Leu233= (NM_001322010.2, NM_001406906.1, NM_001406907.1); c.327G>T, p.Leu109= (NM_001322011.2, NM_001322012.2); c.687G>T, p.Leu229= (NM_001322013.2, NM_001406909.1); c.1260G>T, p.Leu420= (NM_001322014.2, NM_001406871.1, NM_001406872.1); c.951G>T, p.Leu317= (NM_001322015.2, NM_001406875.1, NM_001406877.1 and 5 more transcripts); and 13 more.
Identifiers: ClinVar variation 3903754 (VCV003903754.1).

ClinVar aggregate classification (germline): Benign (1 of 4 stars; one submission).

Conditions:
Lynch syndrome 4 (LYNCH4). Also called: Colorectal cancer, hereditary nonpolyposis, type 4; Hereditary non-polyposis colorectal cancer, type 4. Identifiers: Orphanet 144, MedGen C1838333, MONDO:0013699, OMIM 614337. Disease mechanism: loss of function.

Submission:

Myriad Genetics, Inc.
Classification: Benign for Lynch syndrome 4. Last evaluated: 2025-01-30. Review status: criteria provided, single submitter. Criteria: Myriad Autosomal Dominant, Autosomal Recessive and X-Linked Classification Criteria (2023). Collection method: clinical testing. Allele origin: unknown.
Comment: This variant is considered benign. This variant is a silent/synonymous amino acid change and it is not expected to impact splicing.